The following is an entry in ClinVar:

ClinVar aggregate classification (germline): Pathogenic (1 of 4 stars; one submission).

Conditions:
Chédiak-Higashi syndrome (CHS). Also called: Chediak-Higashi Syndrome. Identifiers: Orphanet 167, MedGen C0007965, MONDO:0008963, OMIM 214500.

Submission:

Labcorp Genetics (formerly Invitae), Labcorp
Classification: Pathogenic for Chédiak-Higashi syndrome. Last evaluated: 2023-12-22. Review status: criteria provided, single submitter. Criteria: Invitae Variant Classification Sherloc (09022015). Collection method: clinical testing. Allele origin: germline.
Comment: This sequence change creates a premature translational stop signal (p.Gly3385*) in the LYST gene. It is expected to result in an absent or disrupted protein product. Loss-of-function variants in LYST are known to be pathogenic (PMID: 9215679, 11857544). This variant is not present in population databases (gnomAD no frequency). This variant has not been reported in the literature in individuals affected with LYST-related conditions. For these reasons, this variant has been classified as Pathogenic.

Literature cited by the submitters: PubMed 9215679; PubMed 11857544.

NM_000081.4(LYST):c.10153G>T (p.Gly3385Ter)

Gene: LYST (lysosomal trafficking regulator; minus strand). Cytogenetic location: 1q42.3.
Variant type: single nucleotide variant.
Coding change: c.10153G>T on transcript NM_000081.4 (MANE Select); coding-DNA position 10153, G replaced by T.
Protein change: p.Gly3385Ter; replaces glycine 3385 with a stop codon.
Molecular consequence: nonsense.
Genome position (GRCh38, 1-based): chr1:235,702,968, C>A on the plus strand (G>T on the coding strand, the complement: LYST is on the minus strand). VCF-style: chr1-235702968-C-A. GRCh37 (hg19) VCF-style: chr1-235866268-C-A.
Other names: c.10153G>T, p.Gly3385Ter (NM_001301365.1); short protein forms G3385*.
Identifiers: ClinVar variation 3011225 (VCV003011225.3), dbSNP rs2527324515, ClinGen allele CA344932506.